The following is an entry in ClinVar:

NM_000214.3(JAG1):c.3432C>T (p.Ser1144=)

Gene: JAG1 (jagged canonical Notch ligand 1; minus strand). Cytogenetic location: 20p12.2.
Variant type: single nucleotide variant.
Coding change: c.3432C>T on transcript NM_000214.3 (MANE Select); coding-DNA position 3432, C replaced by T.
Protein change: p.Ser1144=; no amino-acid change (serine 1144 retained).
Molecular consequence: synonymous variant.
Genome position (GRCh38, 1-based): chr20:10,639,723, G>A on the plus strand (C>T on the coding strand, the complement: JAG1 is on the minus strand). VCF-style: chr20-10639723-G-A. GRCh37 (hg19) VCF-style: chr20-10620371-G-A.
Identifiers: ClinVar variation 4823708 (VCV004823708.4).

ClinVar aggregate classification (germline): Likely benign (1 of 4 stars; one submission).

gnomAD v4.1: 13 of 1,614,114 alleles (0.00081%); highest among the groups gnomAD compares: Non-Finnish European, 0.0011%; no homozygotes.

Submission:

CeGaT Center for Human Genetics Tuebingen
Classification: Likely benign. Last evaluated: 2026-03-01. Review status: criteria provided, single submitter. Criteria: CeGaT Center For Human Genetics Tuebingen Variant Classification Criteria Version 2. Collection method: clinical testing. Allele origin: germline. Affected: yes. Observed: 1 variant allele.
Comment: JAG1: BP4, BP7